The following is an entry in ClinVar:

ClinVar aggregate classification (germline): Benign (1 of 4 stars; one submission).

Conditions:
Multicentric carpo-tarsal osteolysis with or without nephropathy. Also called: Multicentric Osteolysis of Carpal Bones and Nephropathy; OSTEOLYSIS, HEREDITARY, OF CARPAL BONES WITH OR WITHOUT NEPHROPATHY; Carnevale Canun Mendoza syndrome; MULTICENTRIC OSTEOLYSIS, AUTOSOMAL DOMINANT; Multicentric Carpotarsal Osteolysis with or without Nephropathy; MULTICENTRIC CARPOTARSAL OSTEOLYSIS SYNDROME. Identifiers: Orphanet 2774, MedGen C2674705, MONDO:0008152, OMIM 166300.

Allele frequency attached by ClinVar (database versions not stated): TOPMed 0.00021; gnomAD 0.00015 and 0.00019; 1000 Genomes Project 0.00120; gnomAD exomes 0.00022; 1000 Genomes Project 30x 0.00109.

Submission:

Illumina Laboratory Services, Illumina
Classification: Benign for Multicentric carpo-tarsal osteolysis with or without nephropathy. Last evaluated: 2018-01-13. Review status: criteria provided, single submitter. Criteria: ICSL Variant Classification Criteria 13 December 2019. Collection method: clinical testing. Allele origin: germline.
Comment: This variant was observed in the ICSL laboratory as part of a predisposition screen in an ostensibly healthy population. It had not been previously curated by ICSL or reported in the Human Gene Mutation Database (HGMD: prior to June 1st, 2018), and was therefore a candidate for classification through an automated scoring system. Utilizing variant allele frequency, disease prevalence and penetrance estimates, and inheritance mode, an automated score was calculated to assess if this variant is too frequent to cause the disease. Based on the score and internal cut-off values, a variant classified as benign is not then subjected to further curation. The score for this variant resulted in a classification of benign for this disease.

NM_005461.5(MAFB):c.*1314A>G

Gene: MAFB (MAF bZIP transcription factor B; minus strand). Cytogenetic location: 20q12.
Variant type: single nucleotide variant.
Coding change: c.*1314A>G on transcript NM_005461.5 (MANE Select); 1314 bases downstream of the stop codon, A replaced by G.
Molecular consequence: 3 prime UTR variant.
Genome position (GRCh38, 1-based): chr20:40,686,565, T>C on the plus strand (A>G on the coding strand, the complement: MAFB is on the minus strand). VCF-style: chr20-40686565-T-C. GRCh37 (hg19) VCF-style: chr20-39315205-T-C.
Identifiers: ClinVar variation 338386 (VCV000338386.5), dbSNP rs533750110, ClinGen allele CA10649687.
Genomic context (GRCh38, chr20:40,686,565, plus strand): 5'-CAGTGCAGTGTCTGCTTACCAGTGCACTGCCAGGGTCAGGGATGGCTAAGCCTCTCACCC[T>C]AGGAGCGCTGTGGCTCCTACAATTAGCGCAGGCCCAGAGGGTTCAGAAGGGACCTCAGGG-3'